The following is an entry in ClinVar:

NM_001146312.3(MYOCD):c.2520C>A (p.Ser840Arg)

Genes: ARHGAP44-AS1 (ARHGAP44 and MYOCD antisense RNA 1; minus strand), MYOCD (myocardin; plus strand). Cytogenetic location: 17p12.
Variant type: single nucleotide variant.
Coding change: c.2520C>A on transcript NM_001146312.3 (MANE Select); coding-DNA position 2520, C replaced by A.
Protein change: p.Ser840Arg; replaces serine 840 with arginine.
Molecular consequence: missense variant. On other transcripts: non-coding transcript variant (1).
Genome position (GRCh38, 1-based): chr17:12,763,203, C>A. VCF-style: chr17-12763203-C-A. GRCh37 (hg19) VCF-style: chr17-12666520-C-A.
Other names: c.2283C>A, p.Ser761Arg (NM_001378306.1); c.2376C>A, p.Ser792Arg (NM_153604.4); short protein forms S761R, S792R, S840R.
Identifiers: ClinVar variation 2647495 (VCV002647495.24), dbSNP rs193131989, ClinGen allele CA8399907.

ClinVar aggregate classification (germline): Benign (1 of 4 stars; one submission).

Allele frequency attached by ClinVar (database versions not stated): TOPMed 0.00039; gnomAD 0.00075; 1000 Genomes Project 30x 0.00219; 1000 Genomes Project 0.00240.
gnomAD v4.1: 1,374 of 1,614,138 alleles (0.085%); highest among the groups gnomAD compares: South Asian, 1.1%; 22 homozygotes.

Submission:

CeGaT Center for Human Genetics Tuebingen
Classification: Benign. Last evaluated: 2023-01-01. Review status: criteria provided, single submitter. Criteria: CeGaT Center For Human Genetics Tuebingen Variant Classification Criteria Version 2. Collection method: clinical testing. Allele origin: germline. Affected: yes. Observed: 1 variant allele.
Comment: ARHGAP44-AS1: BS1, BS2; MYOCD: BP4, BS1, BS2